The following is an entry in ClinVar:

ClinVar aggregate classification (germline): Benign/Likely benign. Review status: criteria provided, multiple submitters, no conflicts (2 of 4 stars). 3 submissions from 3 submitters: Benign (1); Likely benign (2). Last evaluated 2025-09-28.

Allele frequency attached by ClinVar (database versions not stated): gnomAD exomes 0.00048; ExAC 0.00059; 1000 Genomes Project 0.00060; ESP Exome Variant Server 0.00065; 1000 Genomes Project 30x 0.00078; TOPMed 0.00102.
gnomAD v4.1: 854 of 1,614,082 alleles (0.053%); highest among the groups gnomAD compares: Middle Eastern, 1.1%; 2 homozygotes.

Submissions (3):

Labcorp Genetics (formerly Invitae), Labcorp
Classification: Benign. Last evaluated: 2025-09-28. Review status: criteria provided, single submitter. Criteria: Invitae Variant Classification Sherloc (09022015). Collection method: clinical testing. Allele origin: germline.

Blueprint Genetics
Classification: Likely benign. Last evaluated: 2024-11-07. Review status: criteria provided, single submitter. Criteria: ACMG Guidelines, 2015. Collection method: clinical testing. Allele origin: germline.

CeGaT Center for Human Genetics Tuebingen
Classification: Likely benign. Last evaluated: 2023-04-01. Review status: criteria provided, single submitter. Criteria: CeGaT Center For Human Genetics Tuebingen Variant Classification Criteria Version 2. Collection method: clinical testing. Allele origin: germline. Affected: yes. Observed: 1 variant allele.
Comment: CPAMD8: BP4, BP7

NM_015692.5(CPAMD8):c.2679C>T (p.Tyr893=)

Gene: CPAMD8 (C3 and PZP like alpha-2-macroglobulin domain containing 8; minus strand). Cytogenetic location: 19p13.11.
Variant type: single nucleotide variant.
Coding change: c.2679C>T on transcript NM_015692.5 (MANE Select); coding-DNA position 2679, C replaced by T.
Protein change: p.Tyr893=; no amino-acid change (tyrosine 893 retained).
Molecular consequence: synonymous variant.
Genome position (GRCh38, 1-based): chr19:16,945,663, G>A on the plus strand (C>T on the coding strand, the complement: CPAMD8 is on the minus strand). VCF-style: chr19-16945663-G-A. GRCh37 (hg19) VCF-style: chr19-17056473-G-A.
Identifiers: ClinVar variation 2047045 (VCV002047045.29), dbSNP rs201266081, ClinGen allele CA9285242.
Genomic context (GRCh38, chr19:16,945,663, plus strand): 5'-GGCGTGATTCTCCTCAGGGTGTTTGCTGGACCTCCCATCCCGGCAGCAATTTGTGTCTCC[G>A]TAAGCAAGGGCTTTGGCTGCAGAAATTTGATGTCTTGGTCTCAGAACAGGTCTCCACCCA-3'
Protein context (NP_056507.3, residues 883-903): LNNITAKALA[Tyr893=]GDTNCCRDGR